The following is an entry in ClinVar:

NM_032242.4(PLXNA1):c.1381C>A (p.Leu461Met)

Gene: PLXNA1 (plexin A1; plus strand). Cytogenetic location: 3q21.3.
Variant type: single nucleotide variant.
Coding change: c.1381C>A on transcript NM_032242.4 (MANE Select); coding-DNA position 1381, C replaced by A.
Protein change: p.Leu461Met; replaces leucine 461 with methionine.
Molecular consequence: missense variant.
Genome position (GRCh38, 1-based): chr3:127,003,333, C>A. VCF-style: chr3-127003333-C-A. GRCh37 (hg19) VCF-style: chr3-126722176-C-A.
Other names: short protein forms L461M.
Identifiers: ClinVar variation 4997911 (VCV004997911.1).

ClinVar aggregate classification (germline): Uncertain significance (1 of 4 stars; one submission).

Conditions:
PLXNA1-related disorder. Also called: PLXNA1-related condition.

Submission:

PreventionGenetics, part of Exact Sciences
Classification: Uncertain significance for PLXNA1-related condition. Last evaluated: 2024-10-17. Review status: criteria provided, single submitter. Criteria: ACMG Guidelines, 2015. Collection method: clinical testing. Allele origin: germline.
Comment: The PLXNA1 c.1381C>A variant is predicted to result in the amino acid substitution p.Leu461Met. To our knowledge, this variant has not been reported in the literature or in a large population database (gnomAD), indicating this variant is rare. At this time, the clinical significance of this variant is uncertain due to the absence of conclusive functional and genetic evidence.